The following is an entry in ClinVar:

ClinVar aggregate classification (germline): Benign/Likely benign. Review status: criteria provided, multiple submitters, no conflicts (2 of 4 stars). 2 submissions from 2 submitters: Benign (1); Likely benign (1). Last evaluated 2026-02-01.

Allele frequency attached by ClinVar (database versions not stated): 1000 Genomes Project 0.00220; 1000 Genomes Project 30x 0.00234; TOPMed 0.00278; gnomAD 0.00281 and 0.00290; ExAC 0.00297; gnomAD exomes 0.00315; ESP Exome Variant Server 0.00371.
gnomAD v4.1: 8,309 of 1,613,738 alleles (0.51%); highest among the groups gnomAD compares: Non-Finnish European, 0.62%; 35 homozygotes.

Submissions (2):

Labcorp Genetics (formerly Invitae), Labcorp
Classification: Benign. Last evaluated: 2026-02-01. Review status: criteria provided, single submitter. Criteria: Invitae Variant Classification Sherloc (09022015). Collection method: clinical testing. Allele origin: germline.

CeGaT Center for Human Genetics Tuebingen
Classification: Likely benign. Last evaluated: 2025-11-01. Review status: criteria provided, single submitter. Criteria: CeGaT Center For Human Genetics Tuebingen Variant Classification Criteria Version 2. Collection method: clinical testing. Allele origin: germline. Affected: yes. Observed: 3 variant alleles.
Comment: POLR1A: BP4, BP7, BS2

NM_015425.6(POLR1A):c.2040G>A (p.Pro680=)

Gene: POLR1A (RNA polymerase I subunit A; minus strand). Cytogenetic location: 2p11.2.
Variant type: single nucleotide variant.
Coding change: c.2040G>A on transcript NM_015425.6 (MANE Select); coding-DNA position 2040, G replaced by A.
Protein change: p.Pro680=; no amino-acid change (proline 680 retained).
Molecular consequence: synonymous variant.
Genome position (GRCh38, 1-based): chr2:86,065,292, C>T on the plus strand (G>A on the coding strand, the complement: POLR1A is on the minus strand). VCF-style: chr2-86065292-C-T. GRCh37 (hg19) VCF-style: chr2-86292415-C-T.
Identifiers: ClinVar variation 791465 (VCV000791465.33), dbSNP rs112708556, ClinGen allele CA1746185.